The following is an entry in ClinVar:

NM_001370259.2(MEN1):c.767T>G (p.Leu256Arg)

Gene: MEN1 (menin 1; minus strand). Cytogenetic location: 11q13.1.
Variant type: single nucleotide variant.
Coding change: c.767T>G on transcript NM_001370259.2 (MANE Select); coding-DNA position 767, T replaced by G.
Protein change: p.Leu256Arg; replaces leucine 256 with arginine.
Molecular consequence: missense variant. On other transcripts: non-coding transcript variant (4).
Genome position (GRCh38, 1-based): chr11:64,807,568, A>C on the plus strand (T>G on the coding strand, the complement: MEN1 is on the minus strand). VCF-style: chr11-64807568-A-C. GRCh37 (hg19) VCF-style: chr11-64575040-A-C.
Other names: c.782T>G, p.Leu261Arg (NM_000244.4, NM_001407145.1, NM_001407150.1 and 5 more transcripts); c.767T>G, p.Leu256Arg (NM_001370251.2, NM_001370260.2, NM_001370261.2 and 7 more transcripts); c.662T>G, p.Leu221Arg (NM_001370262.2, NM_001370263.2, NM_001407148.1 and 2 more transcripts); short protein forms L221R, L256R, L261R.
Identifiers: ClinVar variation 4800424 (VCV004800424.1).

ClinVar aggregate classification (germline): Likely pathogenic (1 of 4 stars; one submission).

Conditions:
Multiple endocrine neoplasia, type 1 (MEN1). Also called: MEA I; MEN I; WERMER SYNDROME; Endocrine adenomatosis multiple; MEN 1. Identifiers: Orphanet 652, MedGen C0025267, MeSH D018761, MONDO:0007540, OMIM 131100.

Submission:

Labcorp Genetics (formerly Invitae), Labcorp
Classification: Likely pathogenic for Multiple endocrine neoplasia, type 1. Last evaluated: 2026-01-17. Review status: criteria provided, single submitter. Criteria: Invitae Variant Classification Sherloc (09022015). Collection method: clinical testing. Allele origin: germline.
Comment: This sequence change replaces leucine, which is neutral and non-polar, with arginine, which is basic and polar, at codon 256 of the MEN1 protein (p.Leu256Arg). This variant is not present in population databases (gnomAD no frequency). This variant has not been reported in the literature in individuals affected with MEN1-related conditions. Invitae Evidence Modeling of protein sequence and biophysical properties (such as structural, functional, and spatial information, amino acid conservation, physicochemical variation, residue mobility, and thermodynamic stability) indicates that this missense variant is expected to disrupt MEN1 protein function with a positive predictive value of 95%. This variant disrupts the p.Leu256 amino acid residue in MEN1. Other variant(s) that disrupt this residue have been determined to be pathogenic (PMID: 17623761, 29497973, 30374176). This suggests that this residue is clinically significant, and that variants that disrupt this residue are likely to be disease-causing. In summary, the currently available evidence indicates that the variant is pathogenic, but additional data are needed to prove that conclusively. Therefore, this variant has been classified as Likely Pathogenic.

Literature cited by the submitters: PubMed 17623761; PubMed 29497973; PubMed 30374176.